The following is an entry in ClinVar:

ClinVar aggregate classification (germline): Conflicting classifications of pathogenicity. Review status: criteria provided, conflicting classifications (1 of 4 stars). 13 submissions from 13 submitters: Uncertain significance (8); Likely benign (3). 2 of the submissions do not count toward it. Last evaluated 2025-12-29.

Conditions:
Classic or attenuated familial adenomatous polyposis. Identifiers: MedGen CN372698, MONDO:0021057.
APC-related disorder. Also called: APC-related condition.
Hereditary cancer-predisposing syndrome. Also called: Tumor predisposition; Neoplastic Syndromes, Hereditary; Hereditary neoplastic syndrome; Hereditary Cancer Syndrome. Identifiers: Orphanet 140162, MedGen C0027672, MeSH D009386, MONDO:0015356.
Familial adenomatous polyposis 1 (FAP1). Also called: FAMILIAL ADENOMATOUS POLYPOSIS 1, ATTENUATED; POLYPOSIS, ADENOMATOUS INTESTINAL. Identifiers: MedGen C2713442, MONDO:0021056, OMIM 175100. Disease mechanism: loss of function.

Allele frequency attached by ClinVar (database versions not stated): gnomAD 0.00002; gnomAD exomes 0.00002 and 0.00003; TOPMed 0.00002; ExAC 0.00003; ESP Exome Variant Server 0.00008.
gnomAD v4.1: 42 of 1,613,932 alleles (0.0026%); highest among the groups gnomAD compares: Middle Eastern, 0.016%; no homozygotes.

Submissions (13):

Labcorp Genetics (formerly Invitae), Labcorp
Classification: Uncertain significance for Familial adenomatous polyposis 1. Last evaluated: 2025-12-29. Review status: criteria provided, single submitter. Criteria: Invitae Variant Classification Sherloc (09022015). Collection method: clinical testing. Allele origin: germline.
Comment: This sequence change replaces asparagine, which is neutral and polar, with serine, which is neutral and polar, at codon 741 of the APC protein (p.Asn741Ser). This variant is present in population databases (rs150209825, gnomAD 0.005%). This missense change has been observed in individual(s) with colorectal cancer, suspected Lynch syndrome, and/or parathyroid adenomas (PMID: 25559809, 25980754, 28944238, 36900197). ClinVar contains an entry for this variant (Variation ID: 184580). Invitae Evidence Modeling of protein sequence and biophysical properties (such as structural, functional, and spatial information, amino acid conservation, physicochemical variation, residue mobility, and thermodynamic stability) indicates that this missense variant is not expected to disrupt APC protein function with a negative predictive value of 95%. In summary, the available evidence is currently insufficient to determine the role of this variant in disease. Therefore, it has been classified as a Variant of Uncertain Significance.

Color Diagnostics, LLC DBA Color Health
Classification: Likely benign for Hereditary cancer-predisposing syndrome. Last evaluated: 2025-11-04. Review status: criteria provided, single submitter. Criteria: ACMG Guidelines, 2015. Collection method: clinical testing. Allele origin: germline.

Women's Health and Genetics/Laboratory Corporation of America, LabCorp
Classification: Uncertain significance. Last evaluated: 2024-07-29. Review status: criteria provided, single submitter. Criteria: LabCorp Variant Classification Summary - May 2015. Collection method: clinical testing. Allele origin: germline.
Comment: Variant summary: APC c.2222A>G (p.Asn741Ser) results in a conservative amino acid change in the encoded protein sequence. Four of five in-silico tools predict a benign effect of the variant on protein function. The variant allele was found at a frequency of 2e-05 in 250138 control chromosomes (gnomAD). The available data on variant occurrences in the general population are insufficient to allow any conclusion about variant significance. c.2222A>G has been reported in the literature in individuals testing for Lynch syndrome, affected with early onset familial colorectal cancer and other types of tumors (examples: Chubb _2015, Yurgelun__2015, Moradian_2021, Storvall_2023). These report(s) do not provide unequivocal conclusions about association of the variant with Familial Adenomatous Polyposis. To our knowledge, no experimental evidence demonstrating an impact on protein function has been reported. The following publications have been ascertained in the context of this evaluation (PMID: 25559809, 33558524, 36900197, 25980754). ClinVar contains an entry for this variant (Variation ID: 184580). Based on the evidence outlined above, the variant was classified as uncertain significance.

GeneDx
Classification: Uncertain significance. Last evaluated: 2024-05-03. Review status: criteria provided, single submitter. Criteria: GeneDx Variant Classification Process June 2021. Collection method: clinical testing. Allele origin: germline. Affected: yes.
Comment: Not observed at significant frequency in large population cohorts (gnomAD); In silico analysis supports that this missense variant does not alter protein structure/function; This variant is associated with the following publications: (PMID: 25980754, 25559809, 28944238, 18199528, 36900197)

All of Us Research Program, National Institutes of Health
Classification: Likely benign for Classic or attenuated familial adenomatous polyposis. Last evaluated: 2023-12-18. Review status: criteria provided, single submitter. Criteria: ACMG Guidelines, 2015. Collection method: clinical testing. Allele origin: germline. Inheritance: Autosomal dominant inheritance. Observed: 12 variant alleles, 12 heterozygotes.
Comment: This study involves interpretation of variants in research participants for the purpose of population health screening. Participant phenotype was not available at the time of variant classification. Additional details can be found in publication PMID: 35346344, PMCID: PMC8962531

Baylor Genetics
Classification: Uncertain significance for Familial adenomatous polyposis 1. Last evaluated: 2023-09-13. Review status: criteria provided, single submitter. Criteria: ACMG Guidelines, 2015. Collection method: clinical testing. Allele origin: unknown.

Blueprint Genetics
Classification: Uncertain significance. Last evaluated: 2023-08-03. Review status: criteria provided, single submitter. Criteria: ACMG Guidelines, 2015. Collection method: clinical testing. Allele origin: germline.

Myriad Genetics, Inc.
Classification: Uncertain significance for Familial adenomatous polyposis 1. Last evaluated: 2023-02-17. Review status: criteria provided, single submitter. Criteria: Myriad Autosomal Dominant, Autosomal Recessive and X-Linked Classification Criteria (2023). Collection method: clinical testing. Allele origin: unknown.
Comment: This variant is classified as a variant of uncertain significance as there is insufficient evidence to determine its impact on protein function and/or cancer risk.

Sema4
Classification: Uncertain significance for Hereditary cancer-predisposing syndrome. Last evaluated: 2022-01-23. Review status: criteria provided, single submitter. Criteria: Sema4 Curation Guidelines. Collection method: curation. Allele origin: germline.
Comment: The APC c.2222A>G (p.N741S) variant has been reported in heterozygosity in at least 3 individuals with colorectal cancer, tubular adenoma, and Lynch Syndrome associated cancer and/or colorectal polyps (PMIDs: 28944238, 25559809, 25980754). It was observed in 5/128224 chromosomes of the Non-Finnish European subpopulation in the large and broad cohorts of the Genome Aggregation Database (PMID: 32461654). This variant has been reported in ClinVar (Variation ID: 184580). In silico tools suggest the impact of the variant on protein function is benign, though these predictions have not been confirmed by functional studies. The evidence is insufficient to meet ACMG/AMP criteria for classifying the variant as benign or pathogenic. Thus, the clinical significance of this variant is currently uncertain.

Ambry Genetics
Classification: Likely benign for Hereditary cancer-predisposing syndrome. Last evaluated: 2022-01-20. Review status: criteria provided, single submitter. Criteria: Ambry Variant Classification Scheme 2023. Collection method: clinical testing. Allele origin: germline.

Quest Diagnostics Nichols Institute San Juan Capistrano
Classification: Uncertain significance. Last evaluated: 2019-11-25. Review status: criteria provided, single submitter. Criteria: Quest Diagnostics criteria. Collection method: clinical testing. Allele origin: unknown.

PreventionGenetics, part of Exact Sciences
Classification: Uncertain significance for APC-related condition. Last evaluated: 2024-03-22. Review status: no assertion criteria provided. Collection method: clinical testing. Allele origin: germline. Not counted in ClinVar's aggregate classification.
Comment: The APC c.2222A>G variant is predicted to result in the amino acid substitution p.Asn741Ser. This variant has been reported in individuals with colorectal cancer (Table A1. Chubb et al 2015. PubMed ID: 25559809; Table S2. DeRycke et al 2017. PubMed ID: 28944238), suspected Lynch syndrome (Suppl Table 2. Yurgelun et al 2015. PubMed ID: 25980754), or parathyroid adenomas (Table 2. Storvall et al 2023. PubMed ID: 36900197). This variant is reported in 0.0039% of alleles in individuals of European (Non-Finnish) descent in gnomAD. This variant is interpreted as uncertain by majority of the submitters in ClinVar. At this time, the clinical significance of this variant is uncertain due to the absence of conclusive functional and genetic evidence.

Counsyl
Classification: Uncertain significance for Familial adenomatous polyposis 1. Last evaluated: 2016-06-08. Review status: no assertion criteria provided. Collection method: clinical testing. Allele origin: unknown. Not counted in ClinVar's aggregate classification.

Literature cited by the submitters: PubMed 25559809 (cited by 5 submitters); PubMed 25980754 (cited by 5 submitters); PubMed 28944238 (cited by Labcorp Genetics (formerly Invitae), Labcorp and Ambry Genetics); PubMed 36900197 (cited by Labcorp Genetics (formerly Invitae), Labcorp and Women's Health and Genetics/Laboratory Corporation of America, LabCorp); PubMed 33558524 (cited by Women's Health and Genetics/Laboratory Corporation of America, LabCorp).

NM_000038.6(APC):c.2222A>G (p.Asn741Ser)

Gene: APC (APC regulator of Wnt signaling pathway; plus strand). Cytogenetic location: 5q22.2.
Variant type: single nucleotide variant.
Coding change: c.2222A>G on transcript NM_000038.6 (MANE Select); coding-DNA position 2222, A replaced by G.
Protein change: p.Asn741Ser; replaces asparagine 741 with serine.
Molecular consequence: missense variant.
Genome position (GRCh38, 1-based): chr5:112,837,816, A>G. VCF-style: chr5-112837816-A-G. GRCh37 (hg19) VCF-style: chr5-112173513-A-G.
Other names: c.2222A>G, p.Asn741Ser (NM_001127510.3, NM_001354895.2); c.2168A>G, p.Asn723Ser (NM_001127511.3); c.2276A>G, p.Asn759Ser (NM_001354896.2); c.2252A>G, p.Asn751Ser (NM_001354897.2); c.2147A>G, p.Asn716Ser (NM_001354898.2); c.2138A>G, p.Asn713Ser (NM_001354899.2); c.2099A>G, p.Asn700Ser (NM_001354900.2); c.2045A>G, p.Asn682Ser (NM_001354901.2); and 5 more; short protein forms N723S, N741S, N615S, N650S, N458S, N640S, N700S, N713S.
Identifiers: ClinVar variation 184580 (VCV000184580.35), dbSNP rs150209825, ClinGen allele CA007300.